The following is an entry in ClinVar:

ClinVar aggregate classification (germline): Uncertain significance (1 of 4 stars; one submission).

Submission:

GeneDx
Classification: Uncertain significance. Last evaluated: 2026-02-26. Review status: criteria provided, single submitter. Criteria: GeneDx Variant Classification Process June 2021. Collection method: clinical testing. Allele origin: germline.
Comment: Not observed at significant frequency in large population cohorts (gnomAD); In silico analysis suggests that this missense variant does not alter protein structure/function; Has not been previously published as pathogenic or benign to our knowledge

NM_001303052.2(MYT1L):c.2141C>A (p.Thr714Lys)

Gene: MYT1L (myelin transcription factor 1 like; minus strand). Cytogenetic location: 2p25.3.
Variant type: single nucleotide variant.
Coding change: c.2141C>A on transcript NM_001303052.2 (MANE Select); coding-DNA position 2141, C replaced by A.
Protein change: p.Thr714Lys; replaces threonine 714 with lysine.
Molecular consequence: missense variant.
Genome position (GRCh38, 1-based): chr2:1,892,179, G>T on the plus strand (C>A on the coding strand, the complement: MYT1L is on the minus strand). VCF-style: chr2-1892179-G-T. GRCh37 (hg19) VCF-style: chr2-1895951-G-T.
Other names: c.2141C>A, p.Thr714Lys (NM_001329844.2, NM_001329845.1, NM_001329851.3); c.2135C>A, p.Thr712Lys (NM_001329846.3, NM_001329847.2, NM_001329848.1 and 3 more transcripts); short protein forms T712K, T714K.
Identifiers: ClinVar variation 5010033 (VCV005010033.1).
Genomic context (GRCh38, chr2:1,892,179, plus strand): 5'-GTGGCCGCCATGTGGGCCGCCTCCATGTCGTGCGTGTAGTCGAAGCTGCTCTTGCTGCAC[G>T]TGCTGCTGGCGCTGCTGCCCCCGCCGCAGCTCAGGTTGCTGCTGCTGCTGGGCGCGTAGC-3'
Protein context (NP_001289981.1, residues 704-724): SCGGGSSASS[Thr714Lys]CSKSSFDYTH